The following is an entry in ClinVar:

ClinVar aggregate classification (germline): Uncertain significance (1 of 4 stars; one submission).

Conditions:
Hereditary cancer-predisposing syndrome. Also called: Neoplastic Syndromes, Hereditary; Tumor predisposition; Hereditary Cancer Syndrome; Hereditary neoplastic syndrome. Identifiers: Orphanet 140162, MedGen C0027672, MeSH D009386, MONDO:0015356.

Submission:

Ambry Genetics
Classification: Uncertain significance for Hereditary cancer-predisposing syndrome. Last evaluated: 2025-12-22. Review status: criteria provided, single submitter. Criteria: Ambry Variant Classification Scheme 2023. Collection method: clinical testing. Allele origin: germline.
Comment: The p.K76N variant (also known as c.228G>T), located in coding exon 2 of the SDHAF2 gene, results from a G to T substitution at nucleotide position 228. The lysine at codon 76 is replaced by asparagine, an amino acid with similar properties. This amino acid position is conserved. In addition, the in silico prediction for this alteration is inconclusive. Based on the available evidence, the clinical significance of this variant remains unclear.

NM_017841.4(SDHAF2):c.228G>T (p.Lys76Asn)

Gene: SDHAF2 (succinate dehydrogenase complex assembly factor 2; plus strand). Cytogenetic location: 11q12.2.
Variant type: single nucleotide variant.
Coding change: c.228G>T on transcript NM_017841.4 (MANE Select); coding-DNA position 228, G replaced by T.
Protein change: p.Lys76Asn; replaces lysine 76 with asparagine.
Molecular consequence: missense variant.
Genome position (GRCh38, 1-based): chr11:61,437,816, G>T. VCF-style: chr11-61437816-G-T. GRCh37 (hg19) VCF-style: chr11-61205288-G-T.
Other names: short protein forms K76N.
Identifiers: ClinVar variation 4841774 (VCV004841774.1).